The following is an entry in ClinVar:

NM_080424.4(SP110):c.1591-9C>T

Gene: SP110 (SP110 nuclear body protein; minus strand). Cytogenetic location: 2q37.1.
Variant type: single nucleotide variant.
Coding change: c.1591-9C>T on transcript NM_080424.4 (MANE Select); 9 bases into the intron before coding-DNA position 1591, C replaced by T.
Molecular consequence: intron variant.
Genome position (GRCh38, 1-based): chr2:230,172,968, G>A on the plus strand (C>T on the coding strand, the complement: SP110 is on the minus strand). VCF-style: chr2-230172968-G-A. GRCh37 (hg19) VCF-style: chr2-231037684-G-A.
Other names: c.1609-9C>T (NM_001378446.1, NM_001378445.1, NM_001378442.1 and 1 more transcripts); c.1591-9C>T (NM_004509.5, NM_001378443.1).
Identifiers: ClinVar variation 522187 (VCV000522187.19), dbSNP rs202101309, ClinGen allele CA2154413.

ClinVar aggregate classification (germline): Conflicting classifications of pathogenicity. Review status: criteria provided, conflicting classifications (1 of 4 stars). 6 submissions from 6 submitters: Uncertain significance (1); Benign (2); Likely benign (3). Last evaluated 2026-01-19.

Conditions:
SP110-related disorder. Also called: SP110-related condition.
Hepatic veno-occlusive disease-immunodeficiency syndrome. Also called: Hepatic Veno-Occlusive Disease with Immunodeficiency. Identifiers: Orphanet 79124, MedGen C1856128, MONDO:0009338, OMIM 235550. Disease mechanism: loss of function.

Allele frequency attached by ClinVar (database versions not stated): ESP Exome Variant Server 0.00031; 1000 Genomes Project 30x 0.00047; TOPMed 0.00048; gnomAD 0.00058 and 0.00060; 1000 Genomes Project 0.00060.
gnomAD v4.1: 1,365 of 1,592,436 alleles (0.086%); highest among the groups gnomAD compares: Non-Finnish European, 0.1%; 3 homozygotes.

Submissions (6):

Labcorp Genetics (formerly Invitae), Labcorp
Classification: Benign for Hepatic veno-occlusive disease-immunodeficiency syndrome. Last evaluated: 2026-01-19. Review status: criteria provided, single submitter. Criteria: Invitae Variant Classification Sherloc (09022015). Collection method: clinical testing. Allele origin: germline.

Blueprint Genetics
Classification: Likely benign. Last evaluated: 2024-11-21. Review status: criteria provided, single submitter. Criteria: ACMG Guidelines, 2015. Collection method: clinical testing. Allele origin: germline.

PreventionGenetics, part of Exact Sciences
Classification: Likely benign for SP110-related condition. Last evaluated: 2024-10-25. Review status: criteria provided, single submitter. Criteria: ACMG Guidelines, 2015. Collection method: clinical testing. Allele origin: germline.
Comment: This variant is classified as likely benign based on ACMG/AMP sequence variant interpretation guidelines (Richards et al. 2015 PMID: 25741868, with internal and published modifications).

Illumina Laboratory Services, Illumina
Classification: Uncertain significance for Hepatic veno-occlusive disease-immunodeficiency syndrome. Last evaluated: 2018-01-13. Review status: criteria provided, single submitter. Criteria: ICSL Variant Classification Criteria 13 December 2019. Collection method: clinical testing. Allele origin: germline.

Clinical Genetics DNA and cytogenetics Diagnostics Lab, Erasmus MC, Erasmus Medical Center
Classification: Likely benign for Hepatic veno-occlusive disease-immunodeficiency syndrome. Last evaluated: 2017-04-25. Review status: criteria provided, single submitter. Criteria: ACGS Guidelines, 2013. Collection method: clinical testing. Allele origin: germline. Affected: yes. Study: VKGL Data-share Consensus.

Genome Diagnostics Laboratory, University Medical Center Utrecht
Classification: Benign for Hepatic veno-occlusive disease-immunodeficiency syndrome. Last evaluated: 2014-10-09. Review status: criteria provided, single submitter. Criteria: ACGS Guidelines, 2013. Collection method: clinical testing. Allele origin: germline. Affected: yes. Study: VKGL Data-share Consensus.